The following is an entry in ClinVar:

ClinVar aggregate classification (germline): Uncertain significance (1 of 4 stars; one submission).

Conditions:
Kleefstra syndrome 1 (KLEFS1). Identifiers: Orphanet 261494, MedGen C0795833, MONDO:0027407, OMIM 610253.

gnomAD v4.1: 9 of 1,613,336 alleles (0.00056%); highest among the groups gnomAD compares: Non-Finnish European, 0.00076%; no homozygotes.

Submission:

Labcorp Genetics (formerly Invitae), Labcorp
Classification: Uncertain significance for Kleefstra syndrome 1. Last evaluated: 2022-05-03. Review status: criteria provided, single submitter. Criteria: Invitae Variant Classification Sherloc (09022015). Collection method: clinical testing. Allele origin: germline.
Comment: In summary, the available evidence is currently insufficient to determine the role of this variant in disease. Therefore, it has been classified as a Variant of Uncertain Significance. Algorithms developed to predict the effect of missense changes on protein structure and function are either unavailable or do not agree on the potential impact of this missense change (SIFT: "Deleterious"; PolyPhen-2: "Possibly Damaging"; Align-GVGD: "Class C15"). This variant has not been reported in the literature in individuals affected with EHMT1-related conditions. This variant is not present in population databases (gnomAD no frequency). This sequence change replaces glutamic acid, which is acidic and polar, with lysine, which is basic and polar, at codon 1204 of the EHMT1 protein (p.Glu1204Lys).

NM_024757.5(EHMT1):c.3610G>A (p.Glu1204Lys)

Gene: EHMT1 (euchromatic histone lysine methyltransferase 1; plus strand). Cytogenetic location: 9q34.3.
Variant type: single nucleotide variant.
Coding change: c.3610G>A on transcript NM_024757.5 (MANE Select); coding-DNA position 3610, G replaced by A.
Protein change: p.Glu1204Lys; replaces glutamic acid 1204 with lysine.
Molecular consequence: missense variant.
Genome position (GRCh38, 1-based): chr9:137,834,418, G>A. VCF-style: chr9-137834418-G-A. GRCh37 (hg19) VCF-style: chr9-140728870-G-A.
Other names: c.3589G>A, p.Glu1197Lys (NM_001354263.2); short protein forms E1204K, E1197K.
Identifiers: ClinVar variation 2133260 (VCV002133260.4), dbSNP rs773593938, ClinGen allele CA201814137.
Genomic context (GRCh38, chr9:137,834,418, plus strand): 5'-GTTTACTGCATCGACGCGCGGTTCTACGGGAACGTCAGCCGGTTCATCAACCACCACTGC[G>A]AGCCCAACCTGGTGCCCGTGCGCGTGTTCATGGCCCACCAGGACCTGCGGTTCCCCCGGA-3'
Protein context (NP_079033.4, residues 1194-1214): NVSRFINHHC[Glu1204Lys]PNLVPVRVFM